The following is an entry in ClinVar:

ClinVar aggregate classification (germline): Uncertain significance (1 of 4 stars; one submission).

gnomAD v4.1: 2 of 1,514,028 alleles (0.00013%); highest among the groups gnomAD compares: Non-Finnish European, 0.000088%; no homozygotes.

Submission:

Ambry Genetics
Classification: Uncertain significance. Last evaluated: 2025-06-15. Review status: criteria provided, single submitter. Criteria: Ambry Variant Classification Scheme 2023. Collection method: clinical testing. Allele origin: germline.
Comment: The p.P128L variant (also known as c.383C>T), located in coding exon 1 of the WNK2 gene, results from a C to T substitution at nucleotide position 383. The proline at codon 128 is replaced by leucine, an amino acid with similar properties. This amino acid position is conserved. In addition, this alteration is predicted to be tolerated by in silico analysis. Based on the available evidence, the clinical significance of this variant remains unclear.

NM_006648.4(WNK2):c.383C>T (p.Pro128Leu)

Gene: WNK2 (WNK lysine deficient protein kinase 2; plus strand). Cytogenetic location: 9q22.31.
Variant type: single nucleotide variant.
Coding change: c.383C>T on transcript NM_006648.4 (MANE Select); coding-DNA position 383, C replaced by T.
Protein change: p.Pro128Leu; replaces proline 128 with leucine.
Molecular consequence: missense variant.
Genome position (GRCh38, 1-based): chr9:93,185,312, C>T. VCF-style: chr9-93185312-C-T. GRCh37 (hg19) VCF-style: chr9-95947594-C-T.
Other names: c.383C>T, p.Pro128Leu (NM_001282394.3); short protein forms P128L.
Identifiers: ClinVar variation 4201507 (VCV004201507.1).